The following is an entry in ClinVar:

ClinVar aggregate classification (germline): Uncertain significance (1 of 4 stars; one submission).

Conditions:
Congenital hyperammonemia, type I. Also called: Carbamoyl phosphate synthetase 1 deficiency; Hyperammonemia due to carbamoyl phosphate synthetase 1 deficiency; CPS 1 deficiency; Carbamyl phosphate synthetase (CPS) deficiency; Carbamoyl-phosphate synthase I deficiency; Carbamoyl phosphate synthetase I deficiency disease. Identifiers: Orphanet 147, MedGen C4082171, MONDO:0009376, OMIM 237300.

Allele frequency attached by ClinVar (database versions not stated): gnomAD exomes below 0.00001.
gnomAD v4.1: 1 of 1,613,494 alleles (0.000062%); highest among the groups gnomAD compares: Admixed American, 0.0017%; no homozygotes.

Submission:

Labcorp Genetics (formerly Invitae), Labcorp
Classification: Uncertain significance for Congenital hyperammonemia, type I. Last evaluated: 2022-07-31. Review status: criteria provided, single submitter. Criteria: Invitae Variant Classification Sherloc (09022015). Collection method: clinical testing. Allele origin: germline.
Comment: In summary, the available evidence is currently insufficient to determine the role of this variant in disease. Therefore, it has been classified as a Variant of Uncertain Significance. Algorithms developed to predict the effect of missense changes on protein structure and function (SIFT, PolyPhen-2, Align-GVGD) all suggest that this variant is likely to be tolerated. This variant has not been reported in the literature in individuals affected with CPS1-related conditions. This variant is not present in population databases (gnomAD no frequency). This sequence change replaces arginine, which is basic and polar, with threonine, which is neutral and polar, at codon 1428 of the CPS1 protein (p.Arg1428Thr).

NM_001875.5(CPS1):c.4283G>C (p.Arg1428Thr)

Gene: CPS1 (carbamoyl-phosphate synthase 1; plus strand). Cytogenetic location: 2q34.
Variant type: single nucleotide variant.
Coding change: c.4283G>C on transcript NM_001875.5 (MANE Select); coding-DNA position 4283, G replaced by C.
Protein change: p.Arg1428Thr; replaces arginine 1428 with threonine.
Molecular consequence: missense variant. On other transcripts: non-coding transcript variant (2).
Genome position (GRCh38, 1-based): chr2:210,677,015, G>C. VCF-style: chr2-210677015-G-C. GRCh37 (hg19) VCF-style: chr2-211541739-G-C.
Other names: c.4283G>C, p.Arg1428Thr (NM_001122633.3, NM_001369257.1); c.4316G>C, p.Arg1439Thr (NM_001369256.1); short protein forms R1428T, R1439T.
Identifiers: ClinVar variation 2172600 (VCV002172600.4), dbSNP rs2469385340, ClinGen allele CA350440888.